The following is an entry in ClinVar:

ClinVar aggregate classification (germline): Uncertain significance (1 of 4 stars; one submission).

Conditions:
Cohen syndrome (COH1). Also called: PEPPER SYNDROME; Cutis verticis gyrata, retinitis pigmentosa, and sensorineural deafness. Identifiers: Orphanet 193, MedGen C0265223, MONDO:0008999, OMIM 216550.

Allele frequency attached by ClinVar (database versions not stated): gnomAD exomes below 0.00001.

Submission:

Labcorp Genetics (formerly Invitae), Labcorp
Classification: Uncertain significance for Cohen syndrome. Last evaluated: 2022-07-30. Review status: criteria provided, single submitter. Criteria: Invitae Variant Classification Sherloc (09022015). Collection method: clinical testing. Allele origin: germline.
Comment: This sequence change replaces methionine, which is neutral and non-polar, with isoleucine, which is neutral and non-polar, at codon 1351 of the VPS13B protein (p.Met1351Ile). This variant is not present in population databases (gnomAD no frequency). This variant has not been reported in the literature in individuals affected with VPS13B-related conditions. ClinVar contains an entry for this variant (Variation ID: 1482383). Algorithms developed to predict the effect of missense changes on protein structure and function are either unavailable or do not agree on the potential impact of this missense change (SIFT: "Not Available"; PolyPhen-2: "Benign"; Align-GVGD: "Not Available"). In summary, the available evidence is currently insufficient to determine the role of this variant in disease. Therefore, it has been classified as a Variant of Uncertain Significance.

NM_152564.5(VPS13B):c.4053G>C (p.Met1351Ile)

Gene: VPS13B (vacuolar protein sorting 13 homolog B; plus strand). Cytogenetic location: 8q22.2.
Variant type: single nucleotide variant.
Coding change: c.4053G>C on transcript NM_152564.5 (MANE Select); coding-DNA position 4053, G replaced by C.
Protein change: p.Met1351Ile; replaces methionine 1351 with isoleucine.
Molecular consequence: missense variant.
Genome position (GRCh38, 1-based): chr8:99,502,846, G>C. VCF-style: chr8-99502846-G-C. GRCh37 (hg19) VCF-style: chr8-100515074-G-C.
Other names: c.4053G>C, p.Met1351Ile (NM_017890.5); short protein forms M1351I.
Identifiers: ClinVar variation 1482383 (VCV001482383.5), dbSNP rs1821315903, ClinGen allele CA371869907.